The following is an entry in ClinVar:

NM_007055.4(POLR3A):c.3527C>T (p.Thr1176Ile)

Gene: POLR3A (RNA polymerase III subunit A; minus strand). Cytogenetic location: 10q22.3.
Variant type: single nucleotide variant.
Coding change: c.3527C>T on transcript NM_007055.4 (MANE Select); coding-DNA position 3527, C replaced by T.
Protein change: p.Thr1176Ile; replaces threonine 1176 with isoleucine.
Molecular consequence: missense variant.
Genome position (GRCh38, 1-based): chr10:77,982,720, G>A on the plus strand (C>T on the coding strand, the complement: POLR3A is on the minus strand). VCF-style: chr10-77982720-G-A. GRCh37 (hg19) VCF-style: chr10-79742478-G-A.
Other names: short protein forms T1176I.
Identifiers: ClinVar variation 1522857 (VCV001522857.6), dbSNP rs756584271, ClinGen allele CA5570803.

ClinVar aggregate classification (germline): Uncertain significance (1 of 4 stars; one submission).

Allele frequency attached by ClinVar (database versions not stated): ExAC 0.00001; gnomAD 0.00001; gnomAD exomes 0.00001 and 0.00002.
gnomAD v4.1: 10 of 1,613,714 alleles (0.00062%); highest among the groups gnomAD compares: Non-Finnish European, 0.00068%; no homozygotes.

Submission:

Labcorp Genetics (formerly Invitae), Labcorp
Classification: Uncertain significance. Last evaluated: 2024-09-24. Review status: criteria provided, single submitter. Criteria: Invitae Variant Classification Sherloc (09022015). Collection method: clinical testing. Allele origin: germline.
Comment: This sequence change replaces threonine, which is neutral and polar, with isoleucine, which is neutral and non-polar, at codon 1176 of the POLR3A protein (p.Thr1176Ile). This variant is present in population databases (rs756584271, gnomAD 0.009%). This variant has not been reported in the literature in individuals affected with POLR3A-related conditions. ClinVar contains an entry for this variant (Variation ID: 1522857). Invitae Evidence Modeling of protein sequence and biophysical properties (such as structural, functional, and spatial information, amino acid conservation, physicochemical variation, residue mobility, and thermodynamic stability) indicates that this missense variant is not expected to disrupt POLR3A protein function with a negative predictive value of 80%. In summary, the available evidence is currently insufficient to determine the role of this variant in disease. Therefore, it has been classified as a Variant of Uncertain Significance.